The following is an entry in ClinVar:

NM_000834.5(GRIN2B):c.3227dup (p.Asn1076fs)

Gene: GRIN2B (glutamate ionotropic receptor NMDA type subunit 2B; minus strand). Cytogenetic location: 12p13.1.
Variant type: Duplication.
Coding change: c.3227dup on transcript NM_000834.5 (MANE Select); coding-DNA position 3227, one base duplicated (A; older notation c.3227dupA).
Protein change: p.Asn1076fs; shifts the reading frame from asparagine 1076.
Molecular consequence: frameshift variant.
Genome position (GRCh38, 1-based): chr12:13,564,011, T duplicated on the plus strand (A on the coding strand, the reverse complement: GRIN2B is on the minus strand); the first of 2 consecutive T bases (chr12:13,564,011-13,564,012); duplicating either gives the same sequence. VCF-style (leftmost placement, unchanged base first): chr12-13564010-A-AT. GRCh37 (hg19) VCF-style: chr12-13716944-A-AT.
Other names: c.3227dup, p.Asn1076fs (NM_001413992.1); short protein forms N1076fs.
Identifiers: ClinVar variation 4032385 (VCV004032385.1).

ClinVar aggregate classification (germline): Uncertain significance (1 of 4 stars; one submission).

Conditions:
Inborn genetic diseases. Identifiers: MedGen C0950123, MeSH D030342.

Submission:

Ambry Genetics
Classification: Uncertain significance for Inborn genetic diseases. Last evaluated: 2025-03-21. Review status: criteria provided, single submitter. Criteria: Ambry Variant Classification Scheme 2023. Collection method: clinical testing. Allele origin: germline.
Comment: The c.3227dupA (p.N1076Kfs*7) alteration, located in exon 13 (coding exon 12) of the GRIN2B gene, consists of a duplication of A at position 3227, causing a translational frameshift with a predicted alternate stop codon after 7 amino acids. This variant is not expected to trigger nonsense-mediated mRNA decay, and impacts the last 27% of the protein. The exact functional effect of this alteration is unknown. This variant was not reported in population-based cohorts in the Genome Aggregation Database (gnomAD). Based on insufficient or conflicting evidence, the clinical significance of this alteration remains unclear.